The following is an entry in ClinVar:

NM_022367.4(SEMA4A):c.1316-3T>C

Gene: SEMA4A (semaphorin 4A; plus strand). Cytogenetic location: 1q22.
Variant type: single nucleotide variant.
Coding change: c.1316-3T>C on transcript NM_022367.4 (MANE Select); 3 bases into the intron before coding-DNA position 1316, T replaced by C.
Molecular consequence: intron variant.
Genome position (GRCh38, 1-based): chr1:156,174,819, T>C. VCF-style: chr1-156174819-T-C. GRCh37 (hg19) VCF-style: chr1-156144610-T-C.
Other names: c.809-3T>C (NM_001370571.1, NM_001370569.1); c.1316-3T>C (NM_001193300.2, NM_001193301.2, NM_001370567.1); c.1019-3T>C (NM_001370568.1); c.920-3T>C (NM_001193302.2).
Identifiers: ClinVar variation 1484119 (VCV001484119.7), dbSNP rs1401030721, ClinGen allele CA889743994.

ClinVar aggregate classification (germline): Conflicting classifications of pathogenicity. Review status: criteria provided, conflicting classifications (1 of 4 stars). 2 submissions from 2 submitters: Uncertain significance (1); Likely benign (1). Last evaluated 2024-10-22.

Allele frequency attached by ClinVar (database versions not stated): gnomAD exomes below 0.00001; TOPMed below 0.00001; gnomAD 0.00001.
gnomAD v4.1: 7 of 1,614,076 alleles (0.00043%); highest among the groups gnomAD compares: Admixed American, 0.0067%; no homozygotes.

Submissions (2):

Labcorp Genetics (formerly Invitae), Labcorp
Classification: Uncertain significance. Last evaluated: 2024-10-22. Review status: criteria provided, single submitter. Criteria: Invitae Variant Classification Sherloc (09022015). Collection method: clinical testing. Allele origin: germline.
Comment: This sequence change falls in intron 11 of the SEMA4A gene. It does not directly change the encoded amino acid sequence of the SEMA4A protein. It affects a nucleotide within the consensus splice site. This variant is not present in population databases (gnomAD no frequency). This variant has not been reported in the literature in individuals affected with SEMA4A-related conditions. ClinVar contains an entry for this variant (Variation ID: 1484119). Variants that disrupt the consensus splice site are a relatively common cause of aberrant splicing (PMID: 17576681, 9536098). Algorithms developed to predict the effect of sequence changes on RNA splicing suggest that this variant is not likely to affect RNA splicing. In summary, the available evidence is currently insufficient to determine the role of this variant in disease. Therefore, it has been classified as a Variant of Uncertain Significance.

Blueprint Genetics
Classification: Likely benign. Last evaluated: 2022-09-01. Review status: criteria provided, single submitter. Criteria: ACMG Guidelines, 2015. Collection method: clinical testing. Allele origin: germline.

Literature cited by the submitters: PubMed 17576681 (cited by Labcorp Genetics (formerly Invitae), Labcorp); PubMed 9536098 (cited by Labcorp Genetics (formerly Invitae), Labcorp).